The following is an entry in ClinVar:

NM_001267550.2(TTN):c.80895_80896del (p.Ser26966fs)

Genes: TTN (titin; minus strand), TTN-AS1 (TTN antisense RNA 1; plus strand). Cytogenetic location: 2q31.2.
Variant type: Deletion.
Coding change: c.80895_80896del on transcript NM_001267550.2 (MANE Select); coding-DNA positions 80895 to 80896, 2 bases deleted (CA; older notation c.80895_80896delCA).
Protein change: p.Ser26966fs; shifts the reading frame from serine 26966.
Molecular consequence: frameshift variant.
Genome position (GRCh38, 1-based): chr2:178,565,236-178,565,237, TG deleted on the plus strand (CA on the coding strand, the reverse complement: TTN is on the minus strand). VCF-style (leftmost placement, unchanged base first): chr2-178565235-CTG-C. GRCh37 (hg19) VCF-style: chr2-179429962-CTG-C.
Other names: c.53700_53701delCA (NM_003319.4); c.75972_75973del, p.Ser25325fs (NM_001256850.1); c.53700_53701del, p.Ser17901fs (NM_003319.4); c.73191_73192del, p.Ser24398fs (NM_133378.4); c.54075_54076del, p.Ser18026fs (NM_133432.3); c.54276_54277del, p.Ser18093fs (NM_133437.4); short protein forms S17901fs, S18026fs, S18093fs, S24398fs, S25325fs, S26966fs.
Identifiers: ClinVar variation 3330142 (VCV003330142.3).

ClinVar aggregate classification (germline): Likely pathogenic. Review status: criteria provided, multiple submitters, no conflicts (2 of 4 stars). 2 submissions from 2 submitters: Likely pathogenic (2). Last evaluated 2025-06-24.

Conditions:
Dilated cardiomyopathy 1G (CMD1G). Identifiers: Orphanet 154, MedGen C1858763, MONDO:0011400, OMIM 604145.
Autosomal recessive limb-girdle muscular dystrophy type 2J (LGMDR10). Also called: Limb-girdle muscular dystrophy, type 2J; MUSCULAR DYSTROPHY, LIMB-GIRDLE, AUTOSOMAL RECESSIVE 10. Identifiers: Orphanet 140922, MedGen C1837342, MONDO:0012127, OMIM 608807.
Cardiovascular phenotype. Identifiers: MedGen CN230736.

Submissions (2):

Labcorp Genetics (formerly Invitae), Labcorp
Classification: Likely pathogenic for Dilated cardiomyopathy 1G; Autosomal recessive limb-girdle muscular dystrophy type 2J. Last evaluated: 2025-06-24. Review status: criteria provided, single submitter. Criteria: Invitae Variant Classification Sherloc (09022015). Collection method: clinical testing. Allele origin: germline.
Comment: This sequence change creates a premature translational stop signal (p.Ser26966Cysfs*17) in the TTN gene. While this is not anticipated to result in nonsense mediated decay, it is expected to create a truncated TTN protein. This variant is not present in population databases (gnomAD no frequency). This variant has not been reported in the literature in individuals affected with TTN-related conditions. ClinVar contains an entry for this variant (Variation ID: 3330142). This variant is located in the A band of TTN (PMID: 25589632). Truncating variants in this region are significantly overrepresented in patients affected with dilated cardiomyopathy (PMID: 25589632). Truncating variants in this region have also been reported in individuals affected with autosomal recessive centronuclear myopathy (PMID: 23975875). In summary, the currently available evidence indicates that the variant is pathogenic, but additional data are needed to prove that conclusively. Therefore, this variant has been classified as Likely Pathogenic.

Ambry Genetics
Classification: Likely pathogenic for Cardiovascular phenotype. Last evaluated: 2024-06-24. Review status: criteria provided, single submitter. Criteria: Ambry Variant Classification Scheme 2023. Collection method: clinical testing. Allele origin: germline.
Comment: The c.53700_53701delCA variant, located in coding exon 153 of the TTN gene, results from a deletion of two nucleotides at nucleotide positions 53700 to 53701, causing a translational frameshift with a predicted alternate stop codon (p.S17901Cfs*17). This exon is located in the A-band region of the N2-B isoform of the titin protein and is constitutively expressed in TTN transcripts (percent spliced in or PSI 100%). This variant is considered to be rare based on population cohorts in the Genome Aggregation Database (gnomAD). This alteration is expected to result in loss of function by premature protein truncation or nonsense-mediated mRNA decay. While truncating variants in TTN are present in 1-3% of the general population, truncating variants in the A-band are the most common cause of dilated cardiomyopathy (DCM) (Herman DS et al. N. Engl. J. Med., 2012 Feb;366:619-28; Roberts AM et al. Sci Transl Med, 2015 Jan;7:270ra6). TTN truncating variants encoded in constitutive exons (PSI >90%) have been found to be significantly associated with DCM regardless of their position in titin (Schafer S et al. Nat. Genet., 2017 01;49:46-53). Based on the majority of available evidence to date, this variant is likely to be pathogenic.

Literature cited by the submitters: PubMed 25589632 (cited by Labcorp Genetics (formerly Invitae), Labcorp); PubMed 23975875 (cited by Labcorp Genetics (formerly Invitae), Labcorp).